The following is an entry in ClinVar:

ClinVar aggregate classification (germline): Likely benign. Review status: criteria provided, single submitter (1 of 4 stars). 2 submissions from 2 submitters: Likely benign (1). 1 of the submissions does not count toward it. Last evaluated 2025-12-24.

Conditions:
RECQL4-related disorder. Also called: RECQL4-related disorders; RECQL4-related condition.
Baller-Gerold syndrome (BGS). Also called: CRANIOSYNOSTOSIS WITH RADIAL DEFECTS. Identifiers: Orphanet 1225, MedGen C0265308, MONDO:0009039, OMIM 218600.

Allele frequency attached by ClinVar (database versions not stated): gnomAD 0.00001; TOPMed 0.00003.
gnomAD v4.1: 16 of 1,570,890 alleles (0.001%); highest among the groups gnomAD compares: East Asian, 0.012%; no homozygotes.

Submissions (2):

Labcorp Genetics (formerly Invitae), Labcorp
Classification: Likely benign for Baller-Gerold syndrome. Last evaluated: 2025-12-24. Review status: criteria provided, single submitter. Criteria: Invitae Variant Classification Sherloc (09022015). Collection method: clinical testing. Allele origin: germline.

PreventionGenetics, part of Exact Sciences
Classification: Likely benign for RECQL4-related condition. Last evaluated: 2023-08-18. Review status: no assertion criteria provided. Collection method: clinical testing. Allele origin: germline. Not counted in ClinVar's aggregate classification.
Comment: This variant is classified as likely benign based on ACMG/AMP sequence variant interpretation guidelines (Richards et al. 2015 PMID: 25741868, with internal and published modifications).

NM_004260.4(RECQL4):c.2631C>T (p.Tyr877=)

Gene: RECQL4 (RecQ like helicase 4; minus strand). Cytogenetic location: 8q24.3.
Variant type: single nucleotide variant.
Coding change: c.2631C>T on transcript NM_004260.4 (MANE Select); coding-DNA position 2631, C replaced by T.
Protein change: p.Tyr877=; no amino-acid change (tyrosine 877 retained).
Molecular consequence: synonymous variant.
Genome position (GRCh38, 1-based): chr8:144,512,971, G>A on the plus strand (C>T on the coding strand, the complement: RECQL4 is on the minus strand). VCF-style: chr8-144512971-G-A. GRCh37 (hg19) VCF-style: chr8-145738354-G-A.
Identifiers: ClinVar variation 529077 (VCV000529077.12), dbSNP rs762591075, ClinGen allele CA4948166.
Genomic context (GRCh38, chr8:144,512,971, plus strand): 5'-GCAGACCCTTCTGGGTCCTGGGGCTGCTTGGTGGCTAAGCTGCTCAGCCTCTTGAGGGGG[G>A]TACTTGGGCACAGGCCTCTCCCCACCCACGGCCCCTTCCTGCTCCGAGGGCGGCCTGGTG-3'
Protein context (NP_004251.4, residues 867-887): AVGGERPVPK[Tyr877=]PPQEAEQLSH